The following is an entry in ClinVar:

NM_006231.4(POLE):c.2867A>T (p.Tyr956Phe)

Gene: POLE (DNA polymerase epsilon, catalytic subunit; minus strand). Cytogenetic location: 12q24.33.
Variant type: single nucleotide variant.
Coding change: c.2867A>T on transcript NM_006231.4 (MANE Select); coding-DNA position 2867, A replaced by T.
Protein change: p.Tyr956Phe; replaces tyrosine 956 with phenylalanine.
Molecular consequence: missense variant.
Genome position (GRCh38, 1-based): chr12:132,661,162, T>A on the plus strand (A>T on the coding strand, the complement: POLE is on the minus strand). VCF-style: chr12-132661162-T-A. GRCh37 (hg19) VCF-style: chr12-133237748-T-A.
Other names: short protein forms Y956F.
Identifiers: ClinVar variation 802906 (VCV000802906.10), dbSNP rs1593776406, ClinGen allele CA387393019.

ClinVar aggregate classification (germline): Uncertain significance. Review status: criteria provided, multiple submitters, no conflicts (2 of 4 stars). 2 submissions from 2 submitters: Uncertain significance (2). Last evaluated 2020-01-18.

Conditions:
Colorectal cancer, susceptibility to, 12 (CRCS12). Also called: COLORECTAL CANCER, SUSCEPTIBILITY TO, ON CHROMOSOME 12q24. Identifiers: Orphanet 220460, MedGen C3554460, MONDO:0014038, OMIM 615083.

Submissions (2):

Labcorp Genetics (formerly Invitae), Labcorp
Classification: Uncertain significance. Last evaluated: 2020-01-18. Review status: criteria provided, single submitter. Criteria: Invitae Variant Classification Sherloc (09022015). Collection method: clinical testing. Allele origin: germline.
Comment: This sequence change replaces tyrosine with phenylalanine at codon 956 of the POLE protein (p.Tyr956Phe). The tyrosine residue is highly conserved and there is a small physicochemical difference between tyrosine and phenylalanine. In summary, the available evidence is currently insufficient to determine the role of this variant in disease. Therefore, it has been classified as a Variant of Uncertain Significance. Algorithms developed to predict the effect of missense changes on protein structure and function are either unavailable or do not agree on the potential impact of this missense change (SIFT: "Deleterious"; PolyPhen-2: "Probably Damaging"; Align-GVGD: "Class C15"). This variant has not been reported in the literature in individuals with POLE-related conditions. This variant is not present in population databases (ExAC no frequency).

Mendelics
Classification: Uncertain significance for Colorectal cancer, susceptibility to, 12. Last evaluated: 2019-05-28. Review status: criteria provided, single submitter. Criteria: Mendelics Assertion Criteria 2017. Collection method: clinical testing. Allele origin: unknown.